The following is an entry in ClinVar:

ClinVar aggregate classification (germline): Uncertain significance. Review status: criteria provided, multiple submitters, no conflicts (2 of 4 stars). 2 submissions from 2 submitters: Uncertain significance (2). Last evaluated 2025-10-01.

Conditions:
Parkinsonism-dystonia, infantile. Identifiers: Orphanet 238455, MedGen C2751067, MONDO:0013150.

Allele frequency attached by ClinVar (database versions not stated): TOPMed 0.00001; ESP Exome Variant Server 0.00008; gnomAD exomes below 0.00001; ExAC 0.00001.
gnomAD v4.1: 4 of 1,613,300 alleles (0.00025%); highest among the groups gnomAD compares: Non-Finnish European, 0.00034%; no homozygotes.

Submissions (2):

CeGaT Center for Human Genetics Tuebingen
Classification: Uncertain significance. Last evaluated: 2025-10-01. Review status: criteria provided, single submitter. Criteria: CeGaT Center For Human Genetics Tuebingen Variant Classification Criteria Version 2. Collection method: clinical testing. Allele origin: germline. Affected: yes. Observed: 1 variant allele.
Comment: SLC6A3: PM2, BP4

Labcorp Genetics (formerly Invitae), Labcorp
Classification: Uncertain significance for Parkinsonism-dystonia, infantile. Last evaluated: 2021-05-25. Review status: criteria provided, single submitter. Criteria: Invitae Variant Classification Sherloc (09022015). Collection method: clinical testing. Allele origin: germline.
Comment: Algorithms developed to predict the effect of sequence changes on RNA splicing suggest that this variant may create or strengthen a splice site, but this prediction has not been confirmed by published transcriptional studies. This sequence change replaces alanine with valine at codon 308 of the SLC6A3 protein (p.Ala308Val). The alanine residue is highly conserved and there is a small physicochemical difference between alanine and valine. This variant is present in population databases (rs373667971, ExAC 0.002%). This variant has not been reported in the literature in individuals with SLC6A3-related conditions. Algorithms developed to predict the effect of missense changes on protein structure and function (SIFT, PolyPhen-2, Align-GVGD) all suggest that this variant is likely to be tolerated, but these predictions have not been confirmed by published functional studies and their clinical significance is uncertain. In summary, the available evidence is currently insufficient to determine the role of this variant in disease. Therefore, it has been classified as a Variant of Uncertain Significance.

NM_001044.5(SLC6A3):c.923C>T (p.Ala308Val)

Gene: SLC6A3 (solute carrier family 6 member 3). Cytogenetic location: 5p15.33.
Variant type: single nucleotide variant.
Coding change: c.923C>T on transcript NM_001044.5 (MANE Select); coding-DNA position 923, C replaced by T.
Protein change: p.Ala308Val; replaces alanine 308 with valine.
Molecular consequence: missense variant.
Genome position (GRCh38, 1-based): chr5:1,420,573, G>A on the plus strand (C>T on the coding strand, the complement: SLC6A3 is on the minus strand). VCF-style: chr5-1420573-G-A. GRCh37 (hg19) VCF-style: chr5-1420688-G-A.
Other names: short protein forms A308V.
Identifiers: ClinVar variation 1395795 (VCV001395795.14), dbSNP rs373667971, ClinGen allele CA3186235.